The following is an entry in ClinVar:

ClinVar aggregate classification (germline): Uncertain significance (1 of 4 stars; one submission).

Conditions:
Inborn genetic diseases. Identifiers: MedGen C0950123, MeSH D030342.

Allele frequency attached by ClinVar (database versions not stated): gnomAD exomes 0.00001.
gnomAD v4.1: 6 of 1,592,822 alleles (0.00038%); highest among the groups gnomAD compares: East Asian, 0.0045%; no homozygotes.

Submission:

Ambry Genetics
Classification: Uncertain significance for Inborn genetic diseases. Last evaluated: 2025-01-22. Review status: criteria provided, single submitter. Criteria: Ambry Variant Classification Scheme 2023. Collection method: clinical testing. Allele origin: germline.
Comment: The c.6833C>T (p.P2278L) alteration is located in exon 57 (coding exon 57) of the OTOGL gene. This alteration results from a C to T substitution at nucleotide position 6833, causing the proline (P) at amino acid position 2278 to be replaced by a leucine (L). Based on data from gnomAD, the T allele has an overall frequency of 0.001% (3/240978) total alleles studied. This amino acid position is not well conserved in available vertebrate species. This alteration is predicted to be tolerated by in silico analysis. Based on insufficient or conflicting evidence, the clinical significance of this alteration remains unclear.

NM_001378609.3(OTOGL):c.6860C>T (p.Pro2287Leu)

Gene: OTOGL (otogelin like; plus strand). Cytogenetic location: 12q21.31.
Variant type: single nucleotide variant.
Coding change: c.6860C>T on transcript NM_001378609.3 (MANE Select); coding-DNA position 6860, C replaced by T.
Protein change: p.Pro2287Leu; replaces proline 2287 with leucine.
Molecular consequence: missense variant.
Genome position (GRCh38, 1-based): chr12:80,377,201, C>T. VCF-style: chr12-80377201-C-T. GRCh37 (hg19) VCF-style: chr12-80770981-C-T.
Other names: c.6725C>T, p.Pro2242Leu (NM_001368062.3); c.6860C>T, p.Pro2287Leu (NM_001378610.3, NM_173591.7); short protein forms P2242L, P2287L.
Identifiers: ClinVar variation 2286263 (VCV002286263.3), dbSNP rs1290734485, ClinGen allele CA385862301.